The following is an entry in ClinVar:

NM_004364.5(CEBPA):c.710C>T (p.Pro237Leu)

Gene: CEBPA (CCAAT enhancer binding protein alpha; minus strand). Cytogenetic location: 19q13.11.
Variant type: single nucleotide variant.
Coding change: c.710C>T on transcript NM_004364.5 (MANE Select); coding-DNA position 710, C replaced by T.
Protein change: p.Pro237Leu; replaces proline 237 with leucine.
Molecular consequence: missense variant.
Genome position (GRCh38, 1-based): chr19:33,301,705, G>A on the plus strand (C>T on the coding strand, the complement: CEBPA is on the minus strand). VCF-style: chr19-33301705-G-A. GRCh37 (hg19) VCF-style: chr19-33792611-G-A.
Other names: c.353C>T, p.Pro118Leu (NM_001285829.2); c.815C>T, p.Pro272Leu (NM_001287424.2); c.668C>T, p.Pro223Leu (NM_001287435.2); c.710C>T (NM_004364.3); short protein forms P118L, P237L, P272L, P223L.
Identifiers: ClinVar variation 1400480 (VCV001400480.7), dbSNP rs1967172281, ClinGen allele CA405274366.

ClinVar aggregate classification (germline): Uncertain significance. Review status: criteria provided, multiple submitters, no conflicts (2 of 4 stars). 2 submissions from 2 submitters: Uncertain significance (2). Last evaluated 2025-05-28.

Conditions:
Inborn genetic diseases. Identifiers: MedGen C0950123, MeSH D030342.
Acute myeloid leukemia (AML). Also called: Leukemia, acute myeloid, somatic; Leukemia, acute myelogenous, somatic; Acute myeloid leukemia, adult; AML adult; Acute non-lymphocytic leukemia; Acute granulocytic leukemia. Identifiers: Orphanet 519, MedGen C0023467, MeSH D015470, MONDO:0018874, OMIM 601626, HP:0004808. Disease mechanism: Constitutively activated FLT3.

Submissions (2):

Ambry Genetics
Classification: Uncertain significance for Inborn genetic diseases. Last evaluated: 2025-05-28. Review status: criteria provided, single submitter. Criteria: Ambry Variant Classification Scheme 2023. Collection method: clinical testing. Allele origin: germline.
Comment: The p.P237L variant (also known as c.710C>T), located in coding exon 1 of the CEBPA gene, results from a C to T substitution at nucleotide position 710. The proline at codon 237 is replaced by leucine, an amino acid with similar properties. This amino acid position is conserved. In addition, this alteration is predicted to be tolerated by in silico analysis. Based on the available evidence, the clinical significance of this variant remains unclear.

Labcorp Genetics (formerly Invitae), Labcorp
Classification: Uncertain significance for Acute myeloid leukemia. Last evaluated: 2021-10-21. Review status: criteria provided, single submitter. Criteria: Invitae Variant Classification Sherloc (09022015). Collection method: clinical testing. Allele origin: germline.
Comment: In summary, the available evidence is currently insufficient to determine the role of this variant in disease. Therefore, it has been classified as a Variant of Uncertain Significance. Algorithms developed to predict the effect of missense changes on protein structure and function (SIFT, PolyPhen-2, Align-GVGD) all suggest that this variant is likely to be tolerated. This variant has not been reported in the literature in individuals affected with CEBPA-related conditions. The frequency data for this variant in the population databases is considered unreliable, as metrics indicate insufficient coverage at this position in the ExAC database. This sequence change replaces proline with leucine at codon 237 of the CEBPA protein (p.Pro237Leu). The proline residue is weakly conserved and there is a moderate physicochemical difference between proline and leucine.